The following is an entry in ClinVar:

ClinVar aggregate classification (germline): Conflicting classifications of pathogenicity. Review status: criteria provided, conflicting classifications (1 of 4 stars). 2 submissions from 2 submitters: Uncertain significance (1); Likely benign (1). Last evaluated 2025-06-16.

Conditions:
Congenital myopathy with internal nuclei and atypical cores. Also called: Myopathy, centronuclear, 4. Identifiers: Orphanet 319160, MedGen C4707232, MONDO:0013890, OMIM 614807.

Allele frequency attached by ClinVar (database versions not stated): TOPMed below 0.00001.
gnomAD v4.1: 14 of 1,611,900 alleles (0.00087%); highest among the groups gnomAD compares: African/African-American, 0.0013%; no homozygotes.

Submissions (2):

Labcorp Genetics (formerly Invitae), Labcorp
Classification: Likely benign for Congenital myopathy with internal nuclei and atypical cores. Last evaluated: 2025-06-16. Review status: criteria provided, single submitter. Criteria: Invitae Variant Classification Sherloc (09022015). Collection method: clinical testing. Allele origin: germline.

Baylor Genetics
Classification: Uncertain significance for Congenital myopathy with internal nuclei and atypical cores. Last evaluated: 2018-04-05. Review status: criteria provided, single submitter. Criteria: ACMG Guidelines, 2015. Collection method: clinical testing. Allele origin: maternal. Affected: yes.
Comment: This variant was determined to be of uncertain significance according to ACMG Guidelines, 2015 [PMID:25741868].

NM_001378030.1(CCDC78):c.1134-19C>T

Gene: CCDC78 (coiled-coil domain containing 78; minus strand). Cytogenetic location: 16p13.3.
Variant type: single nucleotide variant.
Coding change: c.1134-19C>T on transcript NM_001378030.1 (MANE Select); 19 bases into the intron before coding-DNA position 1134, C replaced by T.
Molecular consequence: intron variant.
Genome position (GRCh38, 1-based): chr16:723,180, G>A on the plus strand (C>T on the coding strand, the complement: CCDC78 is on the minus strand). VCF-style: chr16-723180-G-A. GRCh37 (hg19) VCF-style: chr16-773180-G-A.
Other names: c.567-19C>T (NM_001378033.1); c.954-19C>T (NM_001378031.1); c.1134-19C>T (NM_001031737.3).
Identifiers: ClinVar variation 1033221 (VCV001033221.9), dbSNP rs1320283995, ClinGen allele CA723497369.